The following is an entry in ClinVar:

ClinVar aggregate classification (germline): Conflicting classifications of pathogenicity. Review status: criteria provided, conflicting classifications (1 of 4 stars). 3 submissions from 3 submitters: Uncertain significance (2); Likely benign (1). Last evaluated 2025-06-19.

Conditions:
DLL1-related disorder. Also called: DLL1-related condition.
Inborn genetic diseases. Identifiers: MedGen C0950123, MeSH D030342.

Allele frequency attached by ClinVar (database versions not stated): ExAC 0.00006; gnomAD exomes 0.00009; gnomAD 0.00014; TOPMed 0.00017; 1000 Genomes Project 0.00020; 1000 Genomes Project 30x 0.00031.
gnomAD v4.1: 164 of 1,613,620 alleles (0.01%); highest among the groups gnomAD compares: Middle Eastern, 0.26%; 1 homozygote.

Submissions (3):

Labcorp Genetics (formerly Invitae), Labcorp
Classification: Uncertain significance. Last evaluated: 2025-06-19. Review status: criteria provided, single submitter. Criteria: Invitae Variant Classification Sherloc (09022015). Collection method: clinical testing. Allele origin: germline.
Comment: This sequence change replaces threonine, which is neutral and polar, with methionine, which is neutral and non-polar, at codon 587 of the DLL1 protein (p.Thr587Met). This variant is present in population databases (rs199850507, gnomAD 0.01%). This variant has not been reported in the literature in individuals affected with DLL1-related conditions. ClinVar contains an entry for this variant (Variation ID: 2143496). An algorithm developed to predict the effect of missense changes on protein structure and function (PolyPhen-2) suggests that this variant is likely to be tolerated. In summary, the available evidence is currently insufficient to determine the role of this variant in disease. Therefore, it has been classified as a Variant of Uncertain Significance.

PreventionGenetics, part of Exact Sciences
Classification: Uncertain significance for DLL1-related condition. Last evaluated: 2023-01-13. Review status: criteria provided, single submitter. Criteria: ACMG Guidelines, 2015. Collection method: clinical testing. Allele origin: germline.
Comment: The DLL1 c.1760C>T variant is predicted to result in the amino acid substitution p.Thr587Met. To our knowledge, this variant has not been reported in the literature. This variant is reported in 0.013% of alleles in individuals of South Asian descent in gnomAD. At this time, the clinical significance of this variant is uncertain due to the absence of conclusive functional and genetic evidence.

Ambry Genetics
Classification: Likely benign for Inborn genetic diseases. Last evaluated: 2022-02-11. Review status: criteria provided, single submitter. Criteria: Ambry Variant Classification Scheme 2023. Collection method: clinical testing. Allele origin: germline.

NM_005618.4(DLL1):c.1760C>T (p.Thr587Met)

Gene: DLL1 (delta like canonical Notch ligand 1; minus strand). Cytogenetic location: 6q27.
Variant type: single nucleotide variant.
Coding change: c.1760C>T on transcript NM_005618.4 (MANE Select); coding-DNA position 1760, C replaced by T.
Protein change: p.Thr587Met; replaces threonine 587 with methionine.
Molecular consequence: missense variant.
Genome position (GRCh38, 1-based): chr6:170,283,519, G>A on the plus strand (C>T on the coding strand, the complement: DLL1 is on the minus strand). VCF-style: chr6-170283519-G-A. GRCh37 (hg19) VCF-style: chr6-170592607-G-A.
Other names: c.1760C>T (NM_005618.3); short protein forms T587M.
Identifiers: ClinVar variation 2143496 (VCV002143496.6), dbSNP rs199850507, ClinGen allele CA4106732.